The following is an entry in ClinVar:

NM_207361.6(FREM2):c.9460G>C (p.Glu3154Gln)

Gene: FREM2 (FRAS1 related extracellular matrix 2; plus strand). Cytogenetic location: 13q13.3.
Variant type: single nucleotide variant.
Coding change: c.9460G>C on transcript NM_207361.6 (MANE Select); coding-DNA position 9460, G replaced by C.
Protein change: p.Glu3154Gln; replaces glutamic acid 3154 with glutamine.
Molecular consequence: missense variant.
Genome position (GRCh38, 1-based): chr13:38,880,737, G>C. VCF-style: chr13-38880737-G-C. GRCh37 (hg19) VCF-style: chr13-39454874-G-C.
Other names: short protein forms E3154Q.
Identifiers: ClinVar variation 4620347 (VCV004620347.2).

ClinVar aggregate classification (germline): Uncertain significance. Review status: criteria provided, multiple submitters, no conflicts (2 of 4 stars). 2 submissions from 2 submitters: Uncertain significance (2). Last evaluated 2026-02-05.

Conditions:
Inborn genetic diseases. Identifiers: MedGen C0950123, MeSH D030342.

gnomAD v4.1: 80 of 1,614,084 alleles (0.005%); highest among the groups gnomAD compares: Non-Finnish European, 0.0062%; no homozygotes.

Submissions (2):

GeneDx
Classification: Uncertain significance. Last evaluated: 2026-02-05. Review status: criteria provided, single submitter. Criteria: GeneDx Variant Classification Process June 2021. Collection method: clinical testing. Allele origin: germline.
Comment: In silico analysis suggests that this missense variant does not alter protein structure/function; Has not been previously published as pathogenic or benign to our knowledge

Ambry Genetics
Classification: Uncertain significance for Inborn genetic diseases. Last evaluated: 2025-11-05. Review status: criteria provided, single submitter. Criteria: Ambry Variant Classification Scheme 2023. Collection method: clinical testing. Allele origin: germline.